The following is an entry in ClinVar:

NM_020964.3(EPG5):c.2485G>A (p.Ala829Thr)

Gene: EPG5 (ectopic P-granules 5 autophagy tethering factor; minus strand). Cytogenetic location: 18q21.1.
Variant type: single nucleotide variant.
Coding change: c.2485G>A on transcript NM_020964.3 (MANE Select); coding-DNA position 2485, G replaced by A.
Protein change: p.Ala829Thr; replaces alanine 829 with threonine.
Molecular consequence: missense variant.
Genome position (GRCh38, 1-based): chr18:45,928,937, C>T on the plus strand (G>A on the coding strand, the complement: EPG5 is on the minus strand). VCF-style: chr18-45928937-C-T. GRCh37 (hg19) VCF-style: chr18-43508903-C-T.
Other names: c.2485G>A, p.Ala829Thr (NM_001410858.1, NM_001410859.1); short protein forms A829T.
Identifiers: ClinVar variation 2108758 (VCV002108758.1), dbSNP rs768644448, ClinGen allele CA8949414.
Genomic context (GRCh38, chr18:45,928,937, plus strand): 5'-CCTGGTCAATGGTCTCTTGAACTCTATCCAGAAGGACGGAAATTATCTCAGGGTGAACAG[C>T]TGTGATAGTCCCTAAAAGCTCTCGACCAACCTTTGAAAAAGTCTCTCTGGTAGACAAGGT-3'
Protein context (NP_066015.2, residues 819-839): VGRELLGTIT[Ala829Thr]VHPEIISVLL

ClinVar aggregate classification (germline): Uncertain significance (1 of 4 stars; one submission).

Conditions:
Vici syndrome (VICIS). Identifiers: Orphanet 1493, MedGen C1855772, MONDO:0009452, OMIM 242840.

Allele frequency attached by ClinVar (database versions not stated): gnomAD exomes below 0.00001; ExAC 0.00001.
gnomAD v4.1: 2 of 1,613,966 alleles (0.00012%); highest among the groups gnomAD compares: South Asian, 0.0011%; no homozygotes.

Submission:

Labcorp Genetics (formerly Invitae), Labcorp
Classification: Uncertain significance for Vici syndrome. Last evaluated: 2022-03-11. Review status: criteria provided, single submitter. Criteria: Invitae Variant Classification Sherloc (09022015). Collection method: clinical testing. Allele origin: germline.
Comment: This sequence change replaces alanine, which is neutral and non-polar, with threonine, which is neutral and polar, at codon 829 of the EPG5 protein (p.Ala829Thr). This variant is present in population databases (rs768644448, gnomAD 0.0009%). This variant has not been reported in the literature in individuals affected with EPG5-related conditions. Algorithms developed to predict the effect of missense changes on protein structure and function are either unavailable or do not agree on the potential impact of this missense change (SIFT: "Tolerated"; PolyPhen-2: "Probably Damaging"; Align-GVGD: "Class C0"). In summary, the available evidence is currently insufficient to determine the role of this variant in disease. Therefore, it has been classified as a Variant of Uncertain Significance.